The following is an entry in ClinVar:

NM_004260.4(RECQL4):c.3319T>C (p.Tyr1107His)

Gene: RECQL4 (RecQ like helicase 4; minus strand). Cytogenetic location: 8q24.3.
Variant type: single nucleotide variant.
Coding change: c.3319T>C on transcript NM_004260.4 (MANE Select); coding-DNA position 3319, T replaced by C.
Protein change: p.Tyr1107His; replaces tyrosine 1107 with histidine.
Molecular consequence: missense variant.
Genome position (GRCh38, 1-based): chr8:144,511,985, A>G on the plus strand (T>C on the coding strand, the complement: RECQL4 is on the minus strand). VCF-style: chr8-144511985-A-G. GRCh37 (hg19) VCF-style: chr8-145737368-A-G.
Other names: short protein forms Y1107H.
Identifiers: ClinVar variation 528959 (VCV000528959.5), dbSNP rs757342740, ClinGen allele CA4947817.

ClinVar aggregate classification (germline): Uncertain significance (1 of 4 stars; one submission).

Conditions:
Baller-Gerold syndrome (BGS). Also called: CRANIOSYNOSTOSIS WITH RADIAL DEFECTS. Identifiers: Orphanet 1225, MedGen C0265308, MONDO:0009039, OMIM 218600.

Allele frequency attached by ClinVar (database versions not stated): ExAC 0.00001; gnomAD exomes 0.00001.
gnomAD v4.1: 7 of 1,611,038 alleles (0.00043%); highest among the groups gnomAD compares: Admixed American, 0.0017%; no homozygotes.

Submission:

Labcorp Genetics (formerly Invitae), Labcorp
Classification: Uncertain significance for Baller-Gerold syndrome. Last evaluated: 2022-09-13. Review status: criteria provided, single submitter. Criteria: Invitae Variant Classification Sherloc (09022015). Collection method: clinical testing. Allele origin: germline.
Comment: This sequence change replaces tyrosine, which is neutral and polar, with histidine, which is basic and polar, at codon 1107 of the RECQL4 protein (p.Tyr1107His). This variant is present in population databases (rs757342740, gnomAD 0.003%). This variant has not been reported in the literature in individuals affected with RECQL4-related conditions. ClinVar contains an entry for this variant (Variation ID: 528959). In summary, the available evidence is currently insufficient to determine the role of this variant in disease. Therefore, it has been classified as a Variant of Uncertain Significance.